The following is an entry in ClinVar:

ClinVar aggregate classification (germline): Uncertain significance (1 of 4 stars; one submission).

Conditions:
Spondyloepiphyseal dysplasia, Stanescu type. Also called: SED, STANESCU TYPE; SPONDYLOEPIMETAPHYSEAL DYSPLASIA, STANESCU TYPE. Identifiers: Orphanet 459051, MedGen C4225273, MONDO:0014701, OMIM 616583.
Vitreoretinopathy with phalangeal epiphyseal dysplasia (VPED). Identifiers: MedGen C1852989, MONDO:0031001, OMIM 619248.
Stickler syndrome, type I, nonsyndromic ocular. Also called: STICKLER SYNDROME, TYPE I, PREDOMINANTLY OCULAR; STICKLER SYNDROME, ATYPICAL. Identifiers: MedGen C1836080, MONDO:0012287, OMIM 609508.
Spondyloepiphyseal dysplasia congenita (SEDC). Also called: SED CONGENITA; SPONDYLOEPIPHYSEAL DYSPLASIA, CONGENITAL TYPE. Identifiers: Orphanet 94068, MedGen C2745959, MONDO:0008471, OMIM 183900.
Multiple epiphyseal dysplasia, Beighton type. Identifiers: Orphanet 166011, MedGen C1851536, MONDO:0007562, OMIM 132450.
Spondyloepiphyseal dysplasia with metatarsal shortening. Also called: CZECH DYSPLASIA, METATARSAL TYPE; SPONDYLOEPIPHYSEAL DYSPLASIA WITH PRECOCIOUS OSTEOARTHRITIS; Pseudorheumatoid dysplasia progressive, with hypoplastic toes. Identifiers: Orphanet 137678, MedGen C1836683, MONDO:0012206, OMIM 609162.
Platyspondylic dysplasia, Torrance type (PLSDT). Identifiers: Orphanet 85166, MedGen C1835437, MONDO:0007895, OMIM 151210.
Spondyloperipheral dysplasia. Also called: SPONDYLOPERIPHERAL DYSPLASIA WITH SHORT ULNA; Spondyloperipheral dysplasia-short ulna syndrome. Identifiers: Orphanet 1856, MedGen C0796173, MONDO:0010078, OMIM 271700.
Stickler syndrome type 1 (STL1). Also called: ARTHROOPHTHALMOPATHY, HEREDITARY PROGRESSIVE; STICKLER SYNDROME, MEMBRANOUS VITREOUS TYPE; STICKLER SYNDROME, VITREOUS TYPE 1; COL2A1-Related Stickler Syndrome. Identifiers: Orphanet 828, Orphanet 90653, MedGen C2020284, MONDO:0007160, OMIM 108300.
Namaqualand hip dysplasia (OSCDP). Also called: Mild spondyloepiphyseal dysplasia due to COL2A1 mutation with early-onset osteoarthritis. Identifiers: Orphanet 93279, MedGen C0432214, MONDO:0011496, OMIM 604864.
Avascular necrosis of femoral head, primary, 1 (ANFH1). Also called: Avascular necrosis of femoral head, primary. Identifiers: Orphanet 86820, MedGen C4551562, MONDO:0054550, OMIM 608805.
Spondyloepimetaphyseal dysplasia, Strudwick type (SEMDSTWK). Also called: DAPPLED METAPHYSIS SYNDROME; STRUDWICK SYNDROME. Identifiers: Orphanet 93346, MedGen C0700635, MONDO:0008476, OMIM 184250.
Kniest dysplasia. Identifiers: Orphanet 485, MedGen C0265279, MONDO:0007987, OMIM 156550.
Legg-Calve-Perthes disease. Also called: Osteochondritis deformans; Coxa plana; PERTHES DISEASE; Avascular necrosis of the capital femoral epiphysis. Identifiers: Orphanet 2380, MedGen C1442965, MONDO:0007885, OMIM 150600, HP:0005743.
Achondrogenesis type II (ACG2). Also called: ACHONDROGENESIS, LANGER-SALDINO TYPE; CHONDROGENESIS IMPERFECTA. Identifiers: Orphanet 932, Orphanet 93296, MedGen C0220685, MONDO:0008702, OMIM 200610.

Submission:

Juno Genomics, Hangzhou Juno Genomics, Inc
Classification: Uncertain significance for Multiple epiphyseal dysplasia, Beighton type; Vitreoretinopathy with phalangeal epiphyseal dysplasia; Achondrogenesis type II; Avascular necrosis of femoral head, primary, 1; Spondyloepiphyseal dysplasia with metatarsal shortening; Kniest dysplasia; Legg-Calve-Perthes disease; Namaqualand hip dysplasia; Platyspondylic dysplasia, Torrance type; Spondyloepiphyseal dysplasia congenita; Spondyloepimetaphyseal dysplasia, Strudwick type; Spondyloepiphyseal dysplasia, Stanescu type; Spondyloperipheral dysplasia; Stickler syndrome type 1; Stickler syndrome, type I, nonsyndromic ocular. Review status: criteria provided, single submitter. Criteria: ACMG Guidelines, 2015. Collection method: clinical testing. Allele origin: germline.
Comment: Absent from controls (or at extremely low frequency if recessive) in Genome Aggregation Database.;Missense variant in a gene that has a low rate of benign missense variation.;Multiple lines of computational evidence support a deleterious effect on the gene or gene product.

NM_001844.5(COL2A1):c.2722C>A (p.Pro908Thr)

Gene: COL2A1 (collagen type II alpha 1 chain; minus strand). Cytogenetic location: 12q13.11.
Variant type: single nucleotide variant.
Coding change: c.2722C>A on transcript NM_001844.5 (MANE Select); coding-DNA position 2722, C replaced by A.
Protein change: p.Pro908Thr; replaces proline 908 with threonine.
Molecular consequence: missense variant.
Genome position (GRCh38, 1-based): chr12:47,979,522, G>T on the plus strand (C>A on the coding strand, the complement: COL2A1 is on the minus strand). VCF-style: chr12-47979522-G-T. GRCh37 (hg19) VCF-style: chr12-48373305-G-T.
Other names: c.2515C>A, p.Pro839Thr (NM_033150.3); short protein forms P839T, P908T.
Identifiers: ClinVar variation 5005104 (VCV005005104.2).
Genomic context (GRCh38, chr12:47,979,522, plus strand): 5'-AGGCTATTCCATGCCTGCCTGTGCCTCTCATGCCAGGAGCATCACTTACATTGGAGCCTG[G>T]GGGTCCAACGCGGCCAGCAGCTCCAGGGAATCCAGTGGCTCCCTGTGTGGGGAGAGGAGA-3'
Protein context (NP_001835.3, residues 898-918): FPGAAGRVGP[Pro908Thr]GSNGNPGPPG